The following is an entry in ClinVar:

NM_001172509.2(SATB2):c.578A>G (p.Lys193Arg)

Gene: SATB2 (SATB homeobox 2; minus strand). Cytogenetic location: 2q33.1.
Variant type: single nucleotide variant.
Coding change: c.578A>G on transcript NM_001172509.2 (MANE Select); coding-DNA position 578, A replaced by G.
Protein change: p.Lys193Arg; replaces lysine 193 with arginine.
Molecular consequence: missense variant.
Genome position (GRCh38, 1-based): chr2:199,380,383, T>C on the plus strand (A>G on the coding strand, the complement: SATB2 is on the minus strand). VCF-style: chr2-199380383-T-C. GRCh37 (hg19) VCF-style: chr2-200245106-T-C.
Other names: c.578A>G, p.Lys193Arg (NM_001172517.1, NM_015265.4); short protein forms K193R.
Identifiers: ClinVar variation 1331274 (VCV001331274.3), dbSNP rs2105865829, ClinGen allele CA350388760.

ClinVar aggregate classification (germline): Uncertain significance (1 of 4 stars; one submission).

Submission:

GeneDx
Classification: Uncertain significance. Last evaluated: 2024-10-02. Review status: criteria provided, single submitter. Criteria: GeneDx Variant Classification Process June 2021. Collection method: clinical testing. Allele origin: germline. Affected: yes.
Comment: Not observed at significant frequency in large population cohorts (gnomAD); In silico analysis indicates that this missense variant does not alter protein structure/function; Has not been previously published as pathogenic or benign to our knowledge; This variant is associated with the following publications: (PMID: 27535533)